The following is an entry in ClinVar:

ClinVar aggregate classification (germline): Benign (1 of 4 stars; one submission).

Conditions:
Pyruvate dehydrogenase E1-alpha deficiency (PDHAD). Also called: Ataxia, intermittent, with pyruvate dehydrogenase, or decarboxylase, deficiency; ATAXIA, INTERMITTENT, WITH PYRUVATE DEHYDROGENASE DEFICIENCY; ATAXIA WITH LACTIC ACIDOSIS I; ATAXIA, INTERMITTENT, WITH ABNORMAL PYRUVATE METABOLISM. Identifiers: Orphanet 79243, MedGen C1839413, MONDO:0010717, OMIM 312170.

Allele frequency attached by ClinVar (database versions not stated): TOPMed 0.00131; 1000 Genomes Project 30x 0.00166; 1000 Genomes Project 0.00291; gnomAD exomes 0.00014; gnomAD 0.00102 and 0.00110.
gnomAD v4.1: 164 of 428,174 alleles (0.038%); highest among the groups gnomAD compares: African/African-American, 0.36%; no homozygotes.

Submission:

Illumina Laboratory Services, Illumina
Classification: Benign for Pyruvate dehydrogenase E1-alpha deficiency. Last evaluated: 2018-01-13. Review status: criteria provided, single submitter. Criteria: ICSL Variant Classification Criteria 13 December 2019. Collection method: clinical testing. Allele origin: germline.
Comment: This variant was observed in the ICSL laboratory as part of a predisposition screen in an ostensibly healthy population. It had not been previously curated by ICSL or reported in the Human Gene Mutation Database (HGMD: prior to June 1st, 2018), and was therefore a candidate for classification through an automated scoring system. Utilizing variant allele frequency, disease prevalence and penetrance estimates, and inheritance mode, an automated score was calculated to assess if this variant is too frequent to cause the disease. Based on the score and internal cut-off values, a variant classified as benign is not then subjected to further curation. The score for this variant resulted in a classification of benign for this disease.

NM_000284.4(PDHA1):c.*1345A>G

Genes: MAP3K15 (mitogen-activated protein kinase kinase kinase 15; minus strand), PDHA1 (pyruvate dehydrogenase E1 subunit alpha 1; plus strand). Cytogenetic location: Xp22.12.
Variant type: single nucleotide variant.
Coding change: c.*1345A>G on transcript NM_000284.4 (MANE Select); 1345 bases downstream of the stop codon, A replaced by G.
Molecular consequence: 3 prime UTR variant. On other transcripts: intron variant (1).
Genome position (GRCh38, 1-based): chrX:19,360,998, A>G. VCF-style: chrX-19360998-A-G. GRCh37 (hg19) VCF-style: chrX-19379116-A-G.
Other names: c.*1345A>G (NM_001173454.2, NM_001173455.2, NM_001173456.2); c.3858-165T>C (NM_001001671.4).
Identifiers: ClinVar variation 914976 (VCV000914976.4), dbSNP rs193253848, ClinGen allele CA327032855.